The following is an entry in ClinVar:

NM_152419.3(HGSNAT):c.936G>T (p.Gly312=)

Gene: HGSNAT (heparan-alpha-glucosaminide N-acetyltransferase; plus strand). Cytogenetic location: 8p11.21.
Variant type: single nucleotide variant.
Coding change: c.936G>T on transcript NM_152419.3 (MANE Select); coding-DNA position 936, G replaced by T.
Protein change: p.Gly312=; no amino-acid change (glycine 312 retained).
Molecular consequence: synonymous variant. On other transcripts: intron variant (1).
Genome position (GRCh38, 1-based): chr8:43,178,158, G>T. VCF-style: chr8-43178158-G-T. GRCh37 (hg19) VCF-style: chr8-43033301-G-T.
Other names: c.936G>T, p.Gly312= (NM_001363227.2); c.72G>T, p.Gly24= (NM_001363229.2); c.821-3987G>T (NM_001363228.2).
Identifiers: ClinVar variation 2187074 (VCV002187074.1), dbSNP rs1238522676, ClinGen allele CA460573150.
Genomic context (GRCh38, chr8:43,178,158, plus strand): 5'-CATTTTTCTATCGATGACTTCTATACTGCAACGGGGGTGTTCAAAATTCAGATTGCTGGG[G>T]AAGATTGCATGGAGGAGTTTCCTGTTAATCTGCATAGGAATTATCATTGTGAATCCCAAT-3'
Protein context (NP_689632.2, residues 302-322): QRGCSKFRLL[Gly312=]KIAWRSFLLI

ClinVar aggregate classification (germline): Uncertain significance (1 of 4 stars; one submission).

Conditions:
Mucopolysaccharidosis, MPS-III-C (MPS3C). Also called: SANFILIPPO SYNDROME C; MPS III C; mucopolysaccharidosis type 3C; MUCOPOLYSACCHARIDOSIS, TYPE IIIC; MPS IIIC (Sanfilippo Syndrome Type C); Mucopolysaccharidosis type IIIC (Sanfilippo C). Identifiers: Orphanet 581, Orphanet 79271, MedGen C0086649, MONDO:0009657, OMIM 252930.
Retinitis pigmentosa 73 (RP73). Identifiers: Orphanet 791, MedGen C4225287, MONDO:0014687, OMIM 616544.

Allele frequency attached by ClinVar (database versions not stated): gnomAD 0.00001; gnomAD exomes below 0.00001; TOPMed below 0.00001.

Submission:

Labcorp Genetics (formerly Invitae), Labcorp
Classification: Uncertain significance for Retinitis pigmentosa 73; Mucopolysaccharidosis, MPS-III-C. Last evaluated: 2022-05-20. Review status: criteria provided, single submitter. Criteria: Invitae Variant Classification Sherloc (09022015). Collection method: clinical testing. Allele origin: germline.
Comment: This sequence change affects codon 312 of the HGSNAT mRNA. It is a 'silent' change, meaning that it does not change the encoded amino acid sequence of the HGSNAT protein. This variant is not present in population databases (gnomAD no frequency). This variant has not been reported in the literature in individuals affected with HGSNAT-related conditions. Algorithms developed to predict the effect of sequence changes on RNA splicing suggest that this variant may disrupt the consensus splice site. In summary, the available evidence is currently insufficient to determine the role of this variant in disease. Therefore, it has been classified as a Variant of Uncertain Significance.